The following is an entry in ClinVar:

NM_007294.4(BRCA1):c.4357G>T (p.Ala1453Ser)

Gene: BRCA1 (BRCA1 DNA repair associated; minus strand). Cytogenetic location: 17q21.31.
Variant type: single nucleotide variant.
Coding change: c.4357G>T on transcript NM_007294.4 (MANE Select); coding-DNA position 4357, G replaced by T.
Protein change: p.Ala1453Ser; replaces alanine 1453 with serine.
Molecular consequence: missense variant. On other transcripts: nonsense (2), non-coding transcript variant (1).
Genome position (GRCh38, 1-based): chr17:43,082,404, C>A on the plus strand (G>T on the coding strand, the complement: BRCA1 is on the minus strand). VCF-style: chr17-43082404-C-A. GRCh37 (hg19) VCF-style: chr17-41234421-C-A.
Other names: c.4213G>T, p.Ala1405Ser (NM_001407746.1, NM_001407747.1, NM_001407748.1 and 11 more transcripts); c.4213G>T, p.Val1405Leu (NM_001407838.1, NM_001407839.1, NM_001407841.1 and 8 more transcripts); c.4210G>T, p.Ala1404Ser (NM_001407847.1, NM_001407848.1, NM_001407849.1); c.4144G>T, p.Asp1382Tyr (NM_001407853.1); c.4357G>T, p.Ala1453Ser (NM_001407854.1, NM_001407593.1, NM_001407594.1 and 8 more transcripts); c.4357G>T, p.Val1453Leu (NM_001407858.1, NM_001407859.1, NM_001407616.1 and 7 more transcripts); c.4354G>T, p.Ala1452Ser (NM_001407860.1, NM_001407610.1, NM_001407611.1 and 7 more transcripts); c.4354G>T, p.Val1452Leu (NM_001407861.1, NM_001407633.1, NM_001407634.1 and 8 more transcripts); and 98 more; short protein forms A1453S, A1406S, D1453Y, V350L, A1326S, A1340S, A1342S, A1364S.
Identifiers: ClinVar variation 496668 (VCV000496668.4), dbSNP rs1555583984, ClinGen allele CA10593000.

ClinVar aggregate classification (germline): Uncertain significance. Review status: criteria provided, multiple submitters, no conflicts (2 of 4 stars). 2 submissions from 2 submitters: Uncertain significance (2). Last evaluated 2021-03-01.

Conditions:
Hereditary cancer-predisposing syndrome. Also called: Tumor predisposition; Neoplastic Syndromes, Hereditary; Hereditary neoplastic syndrome; Hereditary Cancer Syndrome. Identifiers: Orphanet 140162, MedGen C0027672, MeSH D009386, MONDO:0015356.
Hereditary breast ovarian cancer syndrome. Also called: Breast and ovarian cancer; BRCA1- and BRCA2-Associated Hereditary Breast and Ovarian Cancer; Hereditary breast and ovarian cancer syndrome (HBOC); Hereditary breast and ovarian cancer; Hereditary breast and/or ovarian cancer syndrome; Hereditary breast and ovarian cancer syndrome. Identifiers: Orphanet 145, MedGen C0677776, MeSH D061325, MONDO:0003582. Disease mechanism: loss of function.

Submissions (2):

Ambry Genetics
Classification: Uncertain significance for Hereditary cancer-predisposing syndrome. Last evaluated: 2021-03-01. Review status: criteria provided, single submitter. Criteria: Ambry Variant Classification Scheme 2023. Collection method: clinical testing. Allele origin: germline.
Comment: The p.A1453S variant (also known as c.4357G>T), located in coding exon 11 of the BRCA1 gene, results from a G to T substitution at nucleotide position 4357. The amino acid change results in alanine to serine at codon 1453, an amino acid with similar properties. However, this change occurs in the last base pair of coding exon 11, which makes it likely to have some effect on normal mRNA splicing. This nucleotide position is highly conserved in available vertebrate species. In silico splice site analysis for this alteration is inconclusive. This amino acid position is not well conserved in available vertebrate species. In addition, as a missense substitution this is predicted to be tolerated by in silico analysis. Since supporting evidence is limited at this time, the clinical significance of this alteration remains unclear.

CSER _CC_NCGL, University of Washington
Classification: Uncertain significance for Hereditary breast and ovarian cancer. Last evaluated: 2016-10-01. Review status: criteria provided, single submitter. Criteria: Amendola et al. (Genome Res. 2015). Collection method: research. Allele origin: germline. Affected: no. Study: CSER - NEXT Medicine variant annotation.
Comment: This interpretation considers GERP score and allele frequency data, in addition to published reports of the variant in the literature, available at the time of review.